The following is an entry in ClinVar:

NM_000215.4(JAK3):c.2805+113A>G

Gene: JAK3 (Janus kinase 3; minus strand). Cytogenetic location: 19p13.11.
Variant type: single nucleotide variant.
Coding change: c.2805+113A>G on transcript NM_000215.4 (MANE Select); 113 bases into the intron after coding-DNA position 2805, A replaced by G.
Molecular consequence: intron variant.
Genome position (GRCh38, 1-based): chr19:17,831,561, T>C on the plus strand (A>G on the coding strand, the complement: JAK3 is on the minus strand). VCF-style: chr19-17831561-T-C. GRCh37 (hg19) VCF-style: chr19-17942370-T-C.
Identifiers: ClinVar variation 1258955 (VCV001258955.4), dbSNP rs1122385, ClinGen allele CA14698727.

ClinVar aggregate classification (germline): Benign. Review status: criteria provided, multiple submitters, no conflicts (2 of 4 stars). 2 submissions from 2 submitters: Benign (2). Last evaluated 2024-01-24.

Allele frequency attached by ClinVar (database versions not stated): gnomAD exomes 0.33640; gnomAD 0.40865 and 0.40952; TOPMed 0.42013; 1000 Genomes Project 0.47784; 1000 Genomes Project 30x 0.48563.
gnomAD v4.1: 514,289 of 1,493,028 alleles (34%); highest among the groups gnomAD compares: African/African-American, 57%; 92,208 homozygotes.

Submissions (2):

Unidad de Genómica Garrahan, Hospital de Pediatría Garrahan
Classification: Benign. Last evaluated: 2024-01-24. Review status: criteria provided, single submitter. Criteria: ACMG Guidelines, 2015. Collection method: clinical testing. Allele origin: germline. Affected: no. Observed: 60 variant alleles.
Comment: This variant is classified as Benign based on local population frequency. This variant was detected in 63% of patients studied by a panel of primary immunodeficiencies. Number of patients: 60. Only high quality variants are reported.

GeneDx
Classification: Benign. Last evaluated: 2018-06-23. Review status: criteria provided, single submitter. Criteria: GeneDx Variant Classification Process June 2021. Collection method: clinical testing. Allele origin: germline. Affected: yes.